The following is an entry in ClinVar:

NM_004287.5(GOSR2):c.336+1G>A

Genes: LRRC37A2 (leucine rich repeat containing 37 member A2), GOSR2 (golgi SNAP receptor complex member 2; plus strand). Cytogenetic location: 17q21.32.
Variant type: single nucleotide variant.
Coding change: c.336+1G>A on transcript NM_004287.5 (MANE Select); the canonical splice donor site of the intron after coding-DNA position 336, G replaced by A.
Molecular consequence: splice donor variant.
Genome position (GRCh38, 1-based): chr17:46,932,200, G>A. VCF-style: chr17-46932200-G-A. GRCh37 (hg19) VCF-style: chr17-45009566-G-A.
Other names: IVSDS, G-A, +1; c.336+1G>A (NM_001321133.2, NM_054022.4, NM_001330252.2 and 1 more transcripts); c.282+1G>A (NM_001363851.2, NM_001321134.2); c.333+1G>A (NM_001353114.2, NM_001353115.2, NM_001353116.2).
Identifiers: ClinVar variation 211092 (VCV000211092.41), dbSNP rs141554661, ClinGen allele CA208730.

ClinVar aggregate classification (germline): Pathogenic/Likely pathogenic. Review status: criteria provided, multiple submitters, no conflicts (2 of 4 stars). 13 submissions from 13 submitters: Pathogenic (5); Likely pathogenic (7). 1 of the submissions does not count toward it. Last evaluated 2026-06-02.

Conditions:
GOSR2-related disorder. Also called: GOSR2-related condition; GOSR2-related disorders.
Muscular dystrophy, congenital, with or without seizures (MYOS). Identifiers: MedGen C5774274, MONDO:0859336, OMIM 620166.
Inborn genetic diseases. Identifiers: MedGen C0950123, MeSH D030342.
Progressive myoclonic epilepsy type 6. Identifiers: Orphanet 280620, MedGen C5190805, MONDO:0013526, OMIM 614018.
Progressive myoclonic epilepsy. Also called: Myoclonus epilepsy; Familial progressive myoclonic epilepsy; Myoclonic Epilepsies, Progressive; Progressive myoclonus epilepsy. Identifiers: Orphanet 308, Orphanet 98261, MedGen C0751778, MONDO:0020074.

Allele frequency attached by ClinVar (database versions not stated): ExAC 0.00007; gnomAD exomes 0.00010 and 0.00022; TOPMed 0.00025; gnomAD 0.00026; ESP Exome Variant Server 0.00038.
gnomAD v4.1: 364 of 1,613,850 alleles (0.023%); highest among the groups gnomAD compares: Non-Finnish European, 0.029%; no homozygotes.

Submissions (14):

Ambry Genetics
Classification: Pathogenic for Inborn genetic diseases. Last evaluated: 2026-06-02. Review status: criteria provided, single submitter. Criteria: Ambry Variant Classification Scheme 2023. Collection method: clinical testing. Allele origin: germline.
Comment: The c.336+1G>A intronic variant results from a G to A substitution one nucleotide after coding exon 4 of the GOSR2 gene. Alterations that disrupt the canonical splice site are expected to cause aberrant splicing, resulting in an abnormal protein or a transcript that is subject to nonsense-mediated mRNA decay. Based on data from gnomAD, the A allele has an overall frequency of 0.012% (35/281872) total alleles studied. The highest observed frequency was 0.028% (2/7206) of Other alleles. This variant has been identified in conjunction with other GOSR2 variant(s) in individual(s) with features consistent with GOSR2-related progressive myoclonic epilepsy; in at least one instance, the variants were identified in trans (Tsai, 2013; external communication). This nucleotide position is highly conserved in available vertebrate species. In silico splice site analysis predicts that this alteration will weaken the native splice donor site and will result in the creation or strengthening of a novel splice donor site. Based on the available evidence, this alteration is classified as pathogenic.

Labcorp Genetics (formerly Invitae), Labcorp
Classification: Pathogenic for Progressive myoclonic epilepsy. Last evaluated: 2026-01-12. Review status: criteria provided, single submitter. Criteria: Invitae Variant Classification Sherloc (09022015). Collection method: clinical testing. Allele origin: germline.
Comment: This sequence change affects a donor splice site in intron 4 of the GOSR2 gene. It is expected to disrupt RNA splicing. Variants that disrupt the donor or acceptor splice site typically lead to a loss of protein function (PMID: 16199547), and loss-of-function variants in GOSR2 are known to be pathogenic (PMID: 21549339). This variant is present in population databases (rs141554661, gnomAD 0.02%). Disruption of this splice site has been observed in individual(s) with a diagnosis of, or clinical features of, muscular dystrophy (PMID: 25326637; internal data). In at least one individual the data is consistent with being in trans (on the opposite chromosome) from a pathogenic variant. ClinVar contains an entry for this variant (Variation ID: 211092). Algorithms developed to predict the effect of sequence changes on RNA splicing suggest that this variant may disrupt the consensus splice site. For these reasons, this variant has been classified as Pathogenic.

Women's Health and Genetics/Laboratory Corporation of America, LabCorp
Classification: Likely pathogenic for GOSR2-Related Disorders. Last evaluated: 2025-07-16. Review status: criteria provided, single submitter. Criteria: LabCorp Variant Classification Summary - May 2015. Collection method: clinical testing. Allele origin: germline.
Comment: Variant summary: GOSR2 c.336+1G>A is located in a canonical splice-site and is predicted to affect mRNA splicing resulting in a significantly altered protein due to either exon skipping, shortening, or inclusion of intronic material. Variants that disrupt the consensus splice site are a relatively common cause of aberrant splicing and loss of GOSR2 function. Several computational tools predict a significant impact on normal splicing: Four predict the variant abolishes a 5' splicing donor site. However, these predictions have yet to be confirmed by functional studies. The variant allele was found at a frequency of 0.0001 in 250474 control chromosomes. This frequency is not significantly higher than estimated for a pathogenic variant in GOSR2 causing GOSR2-Related Disorders, allowing no conclusion about variant significance. c.336+1G>A has been reported in the literature in compound heterozygous individuals affected with progressive myoclonus epilepsy with neurodegeneration or congenital muscular dystrophy, or in a heterozygous individual affected with epilepsy without evidence of causality (e.g. Truty_2019, Stemmerik_2021, Hentrich_2023, internal data). These data indicate that the variant may be associated with disease. To our knowledge, no experimental evidence demonstrating an impact on protein function has been reported. The following publications have been ascertained in the context of this evaluation (PMID: 37895210, 34167170, 31440721). ClinVar contains an entry for this variant (Variation ID: 211092). Based on the evidence outlined above, the variant was classified as likely pathogenic.

GeneDx
Classification: Likely pathogenic. Last evaluated: 2025-06-23. Review status: criteria provided, single submitter. Criteria: GeneDx Variant Classification Process June 2021. Collection method: clinical testing. Allele origin: germline. Affected: yes.
Comment: Reported in individuals with congenital muscular dystrophy and myoclonic epilepsy who were heterozygous for c.336+1 G>A and another GOSR2 variant (Tsai et al, 2013; PMID: 37895210, 25326637); Canonical splice site variant predicted to result in a null allele in a gene for which loss of function is a known mechanism of disease; This variant is associated with the following publications: (PMID: 32105965, 25326637, 34426522, 31980526, 31345219, 31440721, 38397161, 37895210, 39035823, 34167170)

PreventionGenetics, part of Exact Sciences
Classification: Likely pathogenic for GOSR2-related condition. Last evaluated: 2025-01-28. Review status: criteria provided, single submitter. Criteria: ACMG Guidelines, 2015. Collection method: clinical testing. Allele origin: germline.
Comment: The GOSR2 c.336+1G>A variant is predicted to disrupt the GT donor site and interfere with normal splicing. This variant has been reported in the compound heterozygous state in several individuals with congenital muscular dystrophy and myoclonic epilepsy (Tsai et al. 2013.; Table S2, Lee et al. 2014. PubMed ID: 25326637; Table S2, Truty et al. 2019. PubMed ID: 31440721; Stemmerik et al. 2021. PubMed ID: 34167170; Hentrich et al. 2023. PubMed ID: 37895210). This variant has also been reported in ClinVar as pathogenic/likely pathogenic by other clinical laboratories. This variant is reported in 0.024% of alleles in individuals of European (non-Finnish) descent in gnomAD. Variants that disrupt the consensus splice donor site in GOSR2 are expected to be pathogenic (Corbett et al. 2011. PubMed ID: 21549339). This variant is interpreted as likely pathogenic.

Mayo Clinic Laboratories, Mayo Clinic
Classification: Likely pathogenic. Last evaluated: 2024-09-25. Review status: criteria provided, single submitter. Criteria: ACMG Guidelines, 2015. Collection method: clinical testing. Allele origin: germline. Observed: 1 variant allele.
Comment: PM2, PM3, PVS1_strong

Athena Diagnostics
Classification: Pathogenic. Last evaluated: 2024-08-19. Review status: criteria provided, single submitter. Criteria: Athena Diagnostics Criteria. Collection method: clinical testing. Allele origin: unknown.
Comment: This variant is expected to severely impact normal RNA splicing, and consequently, protein structure and/or function. The frequency of this variant in the general population is consistent with pathogenicity. This variant has been identified in at least one individual with a GOSR2-related disorder.

Blueprint Genetics
Classification: Likely pathogenic for GOSR2-related disorders. Last evaluated: 2024-08-07. Review status: criteria provided, single submitter. Criteria: ACMG Guidelines, 2015. Collection method: clinical testing. Allele origin: germline. Affected: yes. Observed: 5 variant alleles.

Department of Pathology and Laboratory Medicine, Sinai Health System
Classification: Likely pathogenic for progressive myoclonus epilepsy. Last evaluated: 2023-03-30. Review status: criteria provided, single submitter. Criteria: ACMG Guidelines, 2015. Collection method: research. Allele origin: germline.

Baylor Genetics
Classification: Pathogenic for Progressive myoclonic epilepsy type 6. Last evaluated: 2022-04-14. Review status: criteria provided, single submitter. Criteria: ACMG Guidelines, 2015. Collection method: clinical testing. Allele origin: unknown.

Revvity Omics, Revvity
Classification: Likely pathogenic. Last evaluated: 2019-09-05. Review status: criteria provided, single submitter. Criteria: ACMG Guidelines, 2015. Collection method: clinical testing. Allele origin: germline.

Genetic Services Laboratory, University of Chicago
Classification: Pathogenic for Epilepsy, progressive myoclonic 6. Last evaluated: 2015-03-30. Review status: criteria provided, single submitter. Criteria: ACMG Guidelines, 2015. Collection method: clinical testing. Allele origin: germline. Affected: yes.

OMIM
Classification: Pathogenic for MUSCULAR DYSTROPHY, CONGENITAL, WITH SEIZURES. Last evaluated: 2022-12-22. Review status: no assertion criteria provided. Collection method: literature only. Allele origin: germline. Not counted in ClinVar's aggregate classification.

Dr. Peter K. Rogan Lab, Western University
No classification provided (evidence only). Condition: Colon adenocarcinoma. Review status: no classification provided. Collection method: in vitro. Allele origin: not applicable. Functional consequence: skipped exon, retained intron. Not counted in ClinVar's aggregate classification.

Literature cited by the submitters: PubMed 16199547 (cited by Labcorp Genetics (formerly Invitae), Labcorp); PubMed 21549339 (cited by Labcorp Genetics (formerly Invitae), Labcorp); PubMed 25326637 (cited by 3 submitters); PubMed 31440721 (cited by Women's Health and Genetics/Laboratory Corporation of America, LabCorp and Athena Diagnostics); PubMed 37895210 (cited by 3 submitters); PubMed 34167170 (cited by Women's Health and Genetics/Laboratory Corporation of America, LabCorp); PubMed 31980526 (cited by Athena Diagnostics); PubMed 34426522 (cited by Athena Diagnostics); Tsai, L., Schwake, M., Corbett, M. A., Gecz, J., Berkovic, Shieh, P. B. GOSR 2: a novel form of congenital muscular dystrophy. (Abstract) Neuromusc. Disord. 23: 748-only, 2013. (cited by OMIM).